The following is an entry in ClinVar:

ClinVar aggregate classification (germline): Uncertain significance (1 of 4 stars; one submission).

Allele frequency attached by ClinVar (database versions not stated): gnomAD 0.00001; gnomAD exomes 0.00001 and 0.00002; TOPMed 0.00001; ExAC 0.00002.
gnomAD v4.1: 9 of 1,613,518 alleles (0.00056%); highest among the groups gnomAD compares: Non-Finnish European, 0.00076%; no homozygotes.

Submission:

GeneDx
Classification: Uncertain significance. Last evaluated: 2019-07-22. Review status: criteria provided, single submitter. Criteria: GeneDx Variant Classification Process June 2021. Collection method: clinical testing. Allele origin: germline. Affected: yes.
Comment: Not observed at a significant frequency in large population cohorts (Lek et al., 2016); Missense variant in a gene in which most reported pathogenic variants are truncating/loss-of-function; Has not been previously published as pathogenic or benign to our knowledge

NM_001267550.2(TTN):c.79091T>C (p.Val26364Ala)

Genes: TTN (titin; minus strand), TTN-AS1 (TTN antisense RNA 1; plus strand). Cytogenetic location: 2q31.2.
Variant type: single nucleotide variant.
Coding change: c.79091T>C on transcript NM_001267550.2 (MANE Select); coding-DNA position 79091, T replaced by C.
Protein change: p.Val26364Ala; replaces valine 26364 with alanine.
Molecular consequence: missense variant.
Genome position (GRCh38, 1-based): chr2:178,567,041, A>G on the plus strand (T>C on the coding strand, the complement: TTN is on the minus strand). VCF-style: chr2-178567041-A-G. GRCh37 (hg19) VCF-style: chr2-179431768-A-G.
Other names: c.74168T>C, p.Val24723Ala (NM_001256850.1); c.51896T>C, p.Val17299Ala (NM_003319.4); c.71387T>C, p.Val23796Ala (NM_133378.4); c.52271T>C, p.Val17424Ala (NM_133432.3); c.52472T>C, p.Val17491Ala (NM_133437.4); short protein forms V17299A, V17424A, V17491A, V23796A, V24723A, V26364A.
Identifiers: ClinVar variation 1307177 (VCV001307177.2), dbSNP rs746511599, ClinGen allele CA1989526.